The following is an entry in ClinVar:

NM_001164508.2(NEB):c.20055_20056del (p.Tyr6686fs)

Gene: NEB (nebulin; minus strand). Cytogenetic location: 2q23.3.
Variant type: Deletion.
Coding change: c.20055_20056del on transcript NM_001164508.2 (MANE Select); coding-DNA positions 20055 to 20056, 2 bases deleted (GT; older notation c.20055_20056delGT).
Protein change: p.Tyr6686fs; shifts the reading frame from tyrosine 6686.
Molecular consequence: frameshift variant.
Genome position (GRCh38, 1-based): chr2:151,548,409-151,548,410, AC deleted on the plus strand (GT on the coding strand, the reverse complement: NEB is on the minus strand). VCF-style (leftmost placement, unchanged base first): chr2-151548408-TAC-T. GRCh37 (hg19) VCF-style: chr2-152404922-TAC-T.
Other names: c.20055_20056del, p.Tyr6686fs (NM_001164507.2, NM_001271208.2); c.20055_20056delGT, p.Tyr6686Glnfs (NM_001271208.1); c.14952_14953del, p.Tyr4985fs (NM_004543.5); short protein forms Y4985fs, Y6686fs.
Identifiers: ClinVar variation 4814746 (VCV004814746.1).
Genomic context (GRCh38, chr2:151,548,408, plus strand): 5'-GGAACATCTTTGGGGCCAAGTGTATACCCATATGCCTTGGTGTGTTCATAGGCTTCTTTG[TAC>T]TTGAACTGCAAAAGCAAAGTCAGAATGAGATCAATGATGGGTAAACAAGGACCAACATTA-3'

ClinVar aggregate classification (germline): Likely pathogenic (1 of 4 stars; one submission).

Conditions:
Nemaline myopathy 2 (NEM2). Also called: Nemaline myopathy 2, autosomal recessive. Identifiers: MedGen C1850569, MONDO:0009725, OMIM 256030.

Submission:

Natera, Inc.
Classification: Likely pathogenic for Nemaline myopathy type 2. Last evaluated: 2024-05-07. Review status: criteria provided, single submitter. Criteria: Natera Variant Classification Schema (03/2026). Collection method: clinical testing. Allele origin: germline.
Comment: The c.20055_20056del variant in NEB is a frameshift variant predicted to shift the reading frame beginning at codon 6686 and leads to a stop codon 5 codons downstream. This variant is expected to result in nonsense mediated decay, truncation, or a dysfunctional protein product. This variant is rare in the general population with a frequency below the threshold expected for the associated phenotype(s). Given the available evidence, this variant is classified as Likely Pathogenic.